The following is an entry in ClinVar:

ClinVar aggregate classification (germline): Uncertain significance (1 of 4 stars; one submission).

Conditions:
Deficiency of aromatic-L-amino-acid decarboxylase. Also called: Aromatic L-Amino Acid Decarboxylase Deficiency; AADC DEFICIENCY; DDC DEFICIENCY; DOPA DECARBOXYLASE DEFICIENCY; Aromatic amino acid decarboxylase deficiency. Identifiers: Orphanet 35708, MedGen C1291564, MONDO:0012084, OMIM 608643.

Submission:

Labcorp Genetics (formerly Invitae), Labcorp
Classification: Uncertain significance for Deficiency of aromatic-L-amino-acid decarboxylase. Last evaluated: 2022-02-20. Review status: criteria provided, single submitter. Criteria: Invitae Variant Classification Sherloc (09022015). Collection method: clinical testing. Allele origin: germline.
Comment: In summary, the available evidence is currently insufficient to determine the role of this variant in disease. Therefore, it has been classified as a Variant of Uncertain Significance. Algorithms developed to predict the effect of missense changes on protein structure and function (SIFT, PolyPhen-2, Align-GVGD) all suggest that this variant is likely to be tolerated. This variant has not been reported in the literature in individuals affected with DDC-related conditions. This variant is not present in population databases (gnomAD no frequency). This sequence change replaces alanine, which is neutral and non-polar, with threonine, which is neutral and polar, at codon 241 of the DDC protein (p.Ala241Thr).

NM_001082971.2(DDC):c.721G>A (p.Ala241Thr)

Gene: DDC (dopa decarboxylase; minus strand). Cytogenetic location: 7p12.1.
Variant type: single nucleotide variant.
Coding change: c.721G>A on transcript NM_001082971.2 (MANE Select); coding-DNA position 721, G replaced by A.
Protein change: p.Ala241Thr; replaces alanine 241 with threonine.
Molecular consequence: missense variant.
Genome position (GRCh38, 1-based): chr7:50,504,053, C>T on the plus strand (G>A on the coding strand, the complement: DDC is on the minus strand). VCF-style: chr7-50504053-C-T. GRCh37 (hg19) VCF-style: chr7-50571751-C-T.
Other names: c.721G>A, p.Ala241Thr (NM_000790.4, NM_001242890.2); c.607G>A, p.Ala203Thr (NM_001242886.2); c.577G>A, p.Ala193Thr (NM_001242887.2); c.487G>A, p.Ala163Thr (NM_001242888.2); c.442G>A, p.Ala148Thr (NM_001242889.2); short protein forms A148T, A193T, A163T, A203T, A241T.
Identifiers: ClinVar variation 1395540 (VCV001395540.6), dbSNP rs2153540569, ClinGen allele CA367539100.
Genomic context (GRCh38, chr7:50,504,053, plus strand): 5'-AGATAGGACCGACTTCTAAGAGATTGTCAAAGGAGCAGCATGTTGTGGTCCCCAGGGTGG[C>T]AACCATCTAGAGGGTAAAAAGCAGACAGCCTTTTATTCCCCAGGTGCCAGTCACCGCTGT-3'
Protein context (NP_001076440.2, residues 231-251): AAGLIPFFMV[Ala241Thr]TLGTTTCCSF